The following is an entry in ClinVar:

ClinVar aggregate classification (germline): Uncertain significance. Review status: criteria provided, multiple submitters, no conflicts (2 of 4 stars). 2 submissions from 2 submitters: Uncertain significance (2). Last evaluated 2026-01-16.

Conditions:
Mitochondrial complex II deficiency, nuclear type 1. Also called: SUCCINATE CoQ REDUCTASE DEFICIENCY. Identifiers: Orphanet 3208, MedGen C5700310, MONDO:0100294, OMIM 252011.
Pheochromocytoma/paraganglioma syndrome 5. Also called: Paragangliomas 5; SDHA-Related Hereditary Paraganglioma-Pheochromocytoma Syndrome. Identifiers: Orphanet 29072, MedGen C3279992, MONDO:0013602, OMIM 614165.
Hereditary cancer-predisposing syndrome. Also called: Neoplastic Syndromes, Hereditary; Hereditary Cancer Syndrome; Hereditary neoplastic syndrome; Tumor predisposition. Identifiers: Orphanet 140162, MedGen C0027672, MeSH D009386, MONDO:0015356.

gnomAD v4.1: 3 of 1,613,140 alleles (0.00019%); highest among the groups gnomAD compares: Non-Finnish European, 0.00025%; no homozygotes.

Submissions (2):

Labcorp Genetics (formerly Invitae), Labcorp
Classification: Uncertain significance for Pheochromocytoma/paraganglioma syndrome 5; Mitochondrial complex II deficiency, nuclear type 1. Last evaluated: 2026-01-16. Review status: criteria provided, single submitter. Criteria: Invitae Variant Classification Sherloc (09022015). Collection method: clinical testing. Allele origin: germline.
Comment: This sequence change replaces lysine, which is basic and polar, with arginine, which is basic and polar, at codon 92 of the SDHA protein (p.Lys92Arg). This variant is not present in population databases (gnomAD no frequency). This variant has not been reported in the literature in individuals affected with SDHA-related conditions. ClinVar contains an entry for this variant (Variation ID: 1519301). Invitae Evidence Modeling of protein sequence and biophysical properties (such as structural, functional, and spatial information, amino acid conservation, physicochemical variation, residue mobility, and thermodynamic stability) has been performed for this missense variant. However, the output from this modeling did not meet the statistical confidence thresholds required to predict the impact of this variant on SDHA protein function. In summary, the available evidence is currently insufficient to determine the role of this variant in disease. Therefore, it has been classified as a Variant of Uncertain Significance.

Ambry Genetics
Classification: Uncertain significance for Hereditary cancer-predisposing syndrome. Last evaluated: 2025-05-29. Review status: criteria provided, single submitter. Criteria: Ambry Variant Classification Scheme 2023. Collection method: clinical testing. Allele origin: germline.
Comment: The p.K92R variant (also known as c.275A>G), located in coding exon 3 of the SDHA gene, results from an A to G substitution at nucleotide position 275. The lysine at codon 92 is replaced by arginine, an amino acid with highly similar properties. This amino acid position is highly conserved in available vertebrate species. In addition, this alteration is predicted to be deleterious by in silico analysis. Based on the available evidence, the clinical significance of this variant remains unclear.

NM_004168.4(SDHA):c.275A>G (p.Lys92Arg)

Gene: SDHA (succinate dehydrogenase complex flavoprotein subunit A; plus strand). Cytogenetic location: 5p15.33.
Variant type: single nucleotide variant.
Coding change: c.275A>G on transcript NM_004168.4 (MANE Select); coding-DNA position 275, A replaced by G.
Protein change: p.Lys92Arg; replaces lysine 92 with arginine.
Molecular consequence: missense variant.
Genome position (GRCh38, 1-based): chr5:224,484, A>G. VCF-style: chr5-224484-A-G. GRCh37 (hg19) VCF-style: chr5-224599-A-G.
Other names: c.275A>G (NM_004168.2); c.275A>G, p.Lys92Arg (NM_001294332.2, NM_001330758.2); short protein forms K92R.
Identifiers: ClinVar variation 1519301 (VCV001519301.9), dbSNP rs778267118, ClinGen allele CA359008622.